The following is an entry in ClinVar:

ClinVar aggregate classification (germline): Benign/Likely benign. Review status: criteria provided, multiple submitters, no conflicts (2 of 4 stars). 5 submissions from 5 submitters: Benign (2); Likely benign (2). 1 of the submissions does not count toward it. Last evaluated 2026-09-01.

Conditions:
BVES-related disorder. Also called: BVES-related condition.

Allele frequency attached by ClinVar (database versions not stated): 1000 Genomes Project 0.00679; ESP Exome Variant Server 0.00730; 1000 Genomes Project 30x 0.00734; TOPMed 0.00740; gnomAD 0.00960 and 0.00986; ExAC 0.01030; gnomAD exomes 0.01071 and 0.01091.
gnomAD v4.1: 17,319 of 1,613,760 alleles (1.1%); highest among the groups gnomAD compares: Non-Finnish European, 1.1%; 144 homozygotes.

Submissions (5):

CeGaT Center for Human Genetics Tuebingen
Classification: Benign. Last evaluated: 2026-09-01. Review status: criteria provided, single submitter. Criteria: CeGaT Center For Human Genetics Tuebingen Variant Classification Criteria Version 2. Collection method: clinical testing. Allele origin: germline. Affected: yes. Observed: 19 variant alleles.
Comment: POPDC1: BP4, BS1, BS2

GeneDx
Classification: Likely benign. Last evaluated: 2020-10-22. Review status: criteria provided, single submitter. Criteria: GeneDx Variant Classification Process June 2021. Collection method: clinical testing. Allele origin: germline. Affected: yes.

Mayo Clinic Laboratories, Mayo Clinic
Classification: Benign. Last evaluated: 2019-08-15. Review status: criteria provided, single submitter. Criteria: ACMG Guidelines, 2015. Collection method: clinical testing. Allele origin: germline. Observed: 17 variant alleles.

Breakthrough Genomics
Classification: Likely benign. Review status: criteria provided, single submitter. Criteria: ACMG Guidelines, 2015. Collection method: not provided. Allele origin: germline. Inheritance: Autosomal recessive inheritance. Affected: yes.

PreventionGenetics, part of Exact Sciences
Classification: Benign for BVES-related condition. Last evaluated: 2019-09-23. Review status: no assertion criteria provided. Collection method: clinical testing. Allele origin: germline. Not counted in ClinVar's aggregate classification.
Comment: This variant is classified as benign based on ACMG/AMP sequence variant interpretation guidelines (Richards et al. 2015 PMID: 25741868, with internal and published modifications).

NM_001199563.2(POPDC1):c.842T>C (p.Leu281Pro)

Gene: POPDC1 (popeye domain cAMP effector 1; minus strand). Cytogenetic location: 6q21.
Variant type: single nucleotide variant.
Coding change: c.842T>C on transcript NM_001199563.2 (MANE Select); coding-DNA position 842, T replaced by C.
Protein change: p.Leu281Pro; replaces leucine 281 with proline.
Molecular consequence: missense variant.
Genome position (GRCh38, 1-based): chr6:105,115,802, A>G on the plus strand (T>C on the coding strand, the complement: POPDC1 is on the minus strand). VCF-style: chr6-105115802-A-G. GRCh37 (hg19) VCF-style: chr6-105563677-A-G.
Other names: p.Leu281Pro; c.842T>C, p.Leu281Pro (NM_007073.4, NM_147147.4); short protein forms L281P.
Identifiers: ClinVar variation 1196394 (VCV001196394.36), dbSNP rs41285458, ClinGen allele CA3940940.